The following is an entry in ClinVar:

ClinVar aggregate classification (germline): Uncertain significance (1 of 4 stars; one submission).

Conditions:
Combined oxidative phosphorylation defect type 14. Also called: Combined oxidative phosphorylation deficiency 14. Identifiers: Orphanet 319519, MedGen C4755312, MONDO:0013986, OMIM 614946.

Allele frequency attached by ClinVar (database versions not stated): TOPMed below 0.00001.
gnomAD v4.1: 2 of 1,614,024 alleles (0.00012%); highest among the groups gnomAD compares: African/African-American, 0.0027%; no homozygotes.

Submission:

Labcorp Genetics (formerly Invitae), Labcorp
Classification: Uncertain significance for Combined oxidative phosphorylation defect type 14. Last evaluated: 2020-11-06. Review status: criteria provided, single submitter. Criteria: Invitae Variant Classification Sherloc (09022015). Collection method: clinical testing. Allele origin: germline.
Comment: This sequence change replaces asparagine with lysine at codon 147 of the FARS2 protein (p.Asn147Lys). The asparagine residue is highly conserved and there is a moderate physicochemical difference between asparagine and lysine. This variant is not present in population databases (ExAC no frequency). This variant has not been reported in the literature in individuals with FARS2-related conditions. Advanced modeling of protein sequence and biophysical properties (such as structural, functional, and spatial information, amino acid conservation, physicochemical variation, residue mobility, and thermodynamic stability) performed at Invitae indicates that this missense variant is expected to disrupt FARS2 protein function. In summary, the available evidence is currently insufficient to determine the role of this variant in disease. Therefore, it has been classified as a Variant of Uncertain Significance.

NM_006567.5(FARS2):c.441T>A (p.Asn147Lys)

Genes: FARS2 (phenylalanyl-tRNA synthetase 2, mitochondrial; plus strand), LOC126859565 (CDK7 strongly-dependent group 2 enhancer GRCh37_chr6:5368745-5369944; plus strand). Cytogenetic location: 6p25.1.
Variant type: single nucleotide variant.
Coding change: c.441T>A on transcript NM_006567.5 (MANE Select); coding-DNA position 441, T replaced by A.
Protein change: p.Asn147Lys; replaces asparagine 147 with lysine.
Molecular consequence: missense variant. On other transcripts: intron variant (2).
Genome position (GRCh38, 1-based): chr6:5,369,011, T>A. VCF-style: chr6-5369011-T-A. GRCh37 (hg19) VCF-style: chr6-5369244-T-A.
Other names: c.441T>A, p.Asn147Lys (NM_001318872.2, NM_001374875.1, NM_001374876.1 and 5 more transcripts); c.-340-27622T>A (NM_001375260.1); c.-84-35531T>A (NM_001375259.1); short protein forms N147K.
Identifiers: ClinVar variation 1525717 (VCV001525717.8), dbSNP rs1758861816, ClinGen allele CA362735292.